The following is an entry in ClinVar:

NM_005157.6(ABL1):c.1514-7T>G

Gene: ABL1 (ABL proto-oncogene 1, non-receptor tyrosine kinase; plus strand). Cytogenetic location: 9q34.12.
Variant type: single nucleotide variant.
Coding change: c.1514-7T>G on transcript NM_005157.6 (MANE Select); 7 bases into the intron before coding-DNA position 1514, T replaced by G.
Molecular consequence: intron variant.
Genome position (GRCh38, 1-based): chr9:130,880,493, T>G. VCF-style: chr9-130880493-T-G. GRCh37 (hg19) VCF-style: chr9-133755880-T-G.
Other names: c.1571-7T>G (NM_007313.3).
Identifiers: ClinVar variation 3250917 (VCV003250917.19), dbSNP rs1564321933.

ClinVar aggregate classification (germline): Uncertain significance. Review status: criteria provided, multiple submitters, no conflicts (2 of 4 stars). 2 submissions from 2 submitters: Uncertain significance (2). Last evaluated 2024-10-31.

Allele frequency attached by ClinVar (database versions not stated): gnomAD exomes below 0.00001.
gnomAD v4.1: 1 of 1,613,794 alleles (0.000062%); highest among the groups gnomAD compares: Non-Finnish European, 0.000085%; no homozygotes.

Submissions (2):

Women's Health and Genetics/Laboratory Corporation of America, LabCorp
Classification: Uncertain significance. Last evaluated: 2024-10-31. Review status: criteria provided, single submitter. Criteria: LabCorp Variant Classification Summary - May 2015. Collection method: clinical testing. Allele origin: germline.
Comment: Variant summary: ABL1 c.1514-7T>G alters a non-conserved nucleotide located close to a canonical splice site and therefore could affect mRNA splicing, leading to a significantly altered protein sequence. Several computational tools predict a significant impact on normal splicing: Four predict the variant abolishes a 3' acceptor site. However, these predictions have yet to be confirmed by functional studies. The variant was absent in 250768 control chromosomes. The available data on variant occurrences in the general population are insufficient to allow any conclusion about variant significance. To our knowledge, no occurrence of c.1514-7T>G in individuals affected with Congenital Heart Defects And Skeletal Malformations Syndrome and no experimental evidence demonstrating its impact on protein function have been reported. ClinVar contains an entry for this variant (Variation ID: 3250917). Based on the evidence outlined above, the variant was classified as uncertain significance.

CeGaT Center for Human Genetics Tuebingen
Classification: Uncertain significance. Last evaluated: 2024-06-01. Review status: criteria provided, single submitter. Criteria: CeGaT Center For Human Genetics Tuebingen Variant Classification Criteria Version 2. Collection method: clinical testing. Allele origin: germline. Affected: yes. Observed: 1 variant allele.
Comment: ABL1: PM2